The following is an entry in ClinVar:

ClinVar aggregate classification (germline): Uncertain significance (1 of 4 stars; one submission).

Conditions:
PPARG-related disorder. Also called: PPARG-related condition; PPARG-related disorders.

Submission:

PreventionGenetics, part of Exact Sciences
Classification: Uncertain significance for PPARG-related condition. Last evaluated: 2026-05-21. Review status: criteria provided, single submitter. Criteria: ACMG Guidelines, 2015. Collection method: clinical testing. Allele origin: germline.
Comment: The PPARG c.125A>G variant is predicted to result in the amino acid substitution p.Asn42Ser. This variant was reported in a large cohort of individuals with hypertriglyceridaemia (reported as p.Asn14Ser in supplementary data, Deshotels et al. 2022. PubMed ID: 36325899). This variant has not been reported in a large population database (gnomAD), indicating this variant is rare. At this time, the clinical significance of this variant is uncertain due to the absence of conclusive functional and genetic evidence.

NM_138711.6(PPARG):c.35A>G (p.Asn12Ser)

Gene: PPARG (peroxisome proliferator activated receptor gamma; plus strand). Cytogenetic location: 3p25.2.
Variant type: single nucleotide variant.
Coding change: c.35A>G on transcript NM_138711.6 (MANE Select); coding-DNA position 35, A replaced by G.
Protein change: p.Asn12Ser; replaces asparagine 12 with serine.
Molecular consequence: missense variant. On other transcripts: 5 prime UTR variant (1).
Genome position (GRCh38, 1-based): chr3:12,379,746, A>G. VCF-style: chr3-12379746-A-G. GRCh37 (hg19) VCF-style: chr3-12421245-A-G.
Other names: c.35A>G, p.Asn12Ser (NM_001330615.4, NM_001354666.3, NM_001354667.3 and 6 more transcripts); c.125A>G, p.Asn42Ser (NM_001354668.2, NM_001374265.1, NM_015869.5); c.-393A>G (NM_001354669.2); c.41A>G, p.Asn14Ser (NM_001354670.2, NM_001374266.1); short protein forms N12S, N42S, N14S.
Identifiers: ClinVar variation 4981852 (VCV004981852.1).
Genomic context (GRCh38, chr3:12,379,746, plus strand): 5'-GTCTATTTTTCCTTTCAGAAATGACCATGGTTGACACAGAGATGCCATTCTGGCCCACCA[A>G]CTTTGGGATCAGCTCCGTGGATCTCTCCGTAATGGAAGACCACTCCCACTCCTTTGATAT-3'
Protein context (NP_619725.3, residues 2-22): VDTEMPFWPT[Asn12Ser]FGISSVDLSV